The following is an entry in ClinVar:

ClinVar aggregate classification (germline): Pathogenic (1 of 4 stars; one submission).

Submission:

Labcorp Genetics (formerly Invitae), Labcorp
Classification: Pathogenic. Last evaluated: 2024-06-15. Review status: criteria provided, single submitter. Criteria: Invitae Variant Classification Sherloc (09022015). Collection method: clinical testing. Allele origin: germline.
Comment: This sequence change creates a premature translational stop signal (p.Glu53Lysfs*43) in the TANGO2 gene. It is expected to result in an absent or disrupted protein product. Loss-of-function variants in TANGO2 are known to be pathogenic (PMID: 26805781, 26805782). This variant is not present in population databases (gnomAD no frequency). This variant has not been reported in the literature in individuals affected with TANGO2-related conditions. For these reasons, this variant has been classified as Pathogenic.

Literature cited by the submitters: PubMed 26805781; PubMed 26805782.

NM_152906.7(TANGO2):c.157_160del (p.Glu53fs)

Gene: TANGO2 (transport and golgi organization 2 homolog; plus strand). Cytogenetic location: 22q11.21.
Variant type: Deletion.
Coding change: c.157_160del on transcript NM_152906.7 (MANE Select); coding-DNA positions 157 to 160, 4 bases deleted (GAGG; older notation c.157_160delGAGG).
Protein change: p.Glu53fs; shifts the reading frame from glutamic acid 53.
Molecular consequence: frameshift variant. On other transcripts: 5 prime UTR variant (12), non-coding transcript variant (5).
Genome position (GRCh38, 1-based): chr22:20,052,476-20,052,479, GAGG deleted; deleting any 4 consecutive bases within chr22:20,052,475-20,052,479 gives the same sequence; the c. name uses the placement nearest the transcript's 3' end. VCF-style (leftmost placement, unchanged base first): chr22-20052474-TGGAG-T. GRCh37 (hg19) VCF-style: chr22-20039997-TGGAG-T.
Other names: c.157_160del, p.Glu53fs (NM_001283106.3, NM_001283116.3, NM_001283148.3 and 10 more transcripts); c.280_283del, p.Glu94fs (NM_001283129.3, NM_001283215.3, NM_001322141.2 and 5 more transcripts); c.-23_-20del (NM_001283235.3, NM_001322146.2, NM_001322148.2 and 9 more transcripts); short protein forms E94fs, E53fs.
Identifiers: ClinVar variation 3697479 (VCV003697479.2).